The following is an entry in ClinVar:

ClinVar aggregate classification (germline): Uncertain significance (1 of 4 stars; one submission).

Conditions:
Hereditary cancer-predisposing syndrome. Also called: Neoplastic Syndromes, Hereditary; Tumor predisposition; Hereditary neoplastic syndrome; Hereditary Cancer Syndrome. Identifiers: Orphanet 140162, MedGen C0027672, MeSH D009386, MONDO:0015356.

Allele frequency attached by ClinVar (database versions not stated): gnomAD exomes below 0.00001.
gnomAD v4.1: 1 of 1,614,216 alleles (0.000062%); highest among the groups gnomAD compares: Non-Finnish European, 0.000085%; no homozygotes.

Submission:

Ambry Genetics
Classification: Uncertain significance for Hereditary cancer-predisposing syndrome. Last evaluated: 2023-01-03. Review status: criteria provided, single submitter. Criteria: Ambry Variant Classification Scheme 2023. Collection method: clinical testing. Allele origin: germline.
Comment: The p.F1015I variant (also known as c.3043T>A), located in coding exon 18 of the PTCH1 gene, results from a T to A substitution at nucleotide position 3043. The phenylalanine at codon 1015 is replaced by isoleucine, an amino acid with highly similar properties. This amino acid position is conserved. In addition, this alteration is predicted to be deleterious by in silico analysis. Since supporting evidence is limited at this time, the clinical significance of this alteration remains unclear.

NM_000264.5(PTCH1):c.3043T>A (p.Phe1015Ile)

Gene: PTCH1 (patched 1; minus strand). Cytogenetic location: 9q22.32.
Variant type: single nucleotide variant.
Coding change: c.3043T>A on transcript NM_000264.5 (MANE Select); coding-DNA position 3043, T replaced by A.
Protein change: p.Phe1015Ile; replaces phenylalanine 1015 with isoleucine.
Molecular consequence: missense variant. On other transcripts: non-coding transcript variant (1).
Genome position (GRCh38, 1-based): chr9:95,458,138, A>T on the plus strand (T>A on the coding strand, the complement: PTCH1 is on the minus strand). VCF-style: chr9-95458138-A-T. GRCh37 (hg19) VCF-style: chr9-98220420-A-T.
Other names: c.2845T>A, p.Phe949Ile (NM_001083602.3); c.3040T>A, p.Phe1014Ile (NM_001083603.3); c.2590T>A, p.Phe864Ile (NM_001083604.3, NM_001083605.3, NM_001083606.3 and 1 more transcripts); c.2887T>A, p.Phe963Ile (NM_001354918.2); short protein forms F1015I, F864I, F1014I, F963I, F949I.
Identifiers: ClinVar variation 2449663 (VCV002449663.2), dbSNP rs1318411238, ClinGen allele CA374112517.